The following is an entry in ClinVar:

ClinVar aggregate classification (germline): Uncertain significance. Review status: criteria provided, multiple submitters, no conflicts (2 of 4 stars). 2 submissions from 2 submitters: Uncertain significance (2). Last evaluated 2024-12-23.

Allele frequency attached by ClinVar (database versions not stated): gnomAD 0.00004 and 0.00007.
gnomAD v4.1: 248 of 1,613,082 alleles (0.015%); highest among the groups gnomAD compares: Non-Finnish European, 0.019%; no homozygotes.

Submissions (2):

Ambry Genetics
Classification: Uncertain significance. Last evaluated: 2024-12-23. Review status: criteria provided, single submitter. Criteria: Ambry Variant Classification Scheme 2023. Collection method: clinical testing. Allele origin: germline.

Labcorp Genetics (formerly Invitae), Labcorp
Classification: Uncertain significance. Last evaluated: 2022-08-23. Review status: criteria provided, single submitter. Criteria: Invitae Variant Classification Sherloc (09022015). Collection method: clinical testing. Allele origin: germline.
Comment: This sequence change replaces valine, which is neutral and non-polar, with methionine, which is neutral and non-polar, at codon 289 of the IL6R protein (p.Val289Met). This variant is present in population databases (rs370717066, gnomAD 0.008%). This variant has not been reported in the literature in individuals affected with IL6R-related conditions. ClinVar contains an entry for this variant (Variation ID: 1400835). Algorithms developed to predict the effect of missense changes on protein structure and function are either unavailable or do not agree on the potential impact of this missense change (SIFT: "Tolerated"; PolyPhen-2: "Probably Damaging"; Align-GVGD: "Class C0"). In summary, the available evidence is currently insufficient to determine the role of this variant in disease. Therefore, it has been classified as a Variant of Uncertain Significance.

NM_000565.4(IL6R):c.865G>A (p.Val289Met)

Gene: IL6R (interleukin 6 receptor; plus strand). Cytogenetic location: 1q21.3.
Variant type: single nucleotide variant.
Coding change: c.865G>A on transcript NM_000565.4 (MANE Select); coding-DNA position 865, G replaced by A.
Protein change: p.Val289Met; replaces valine 289 with methionine.
Molecular consequence: missense variant.
Genome position (GRCh38, 1-based): chr1:154,436,026, G>A. VCF-style: chr1-154436026-G-A. GRCh37 (hg19) VCF-style: chr1-154408502-G-A.
Other names: c.865G>A, p.Val289Met (NM_001206866.2, NM_001382769.1, NM_001382770.1 and 3 more transcripts); c.859G>A, p.Val287Met (NM_001382772.1); c.505G>A, p.Val169Met (NM_001382774.1); c.865G>A (NM_000565.3); short protein forms V169M, V289M, V287M.
Identifiers: ClinVar variation 1400835 (VCV001400835.4), dbSNP rs370717066, ClinGen allele CA1129155.